The following is an entry in ClinVar:

ClinVar aggregate classification (germline): Likely benign. Review status: criteria provided, single submitter (1 of 4 stars). 2 submissions from 2 submitters: Likely benign (1). 1 of the submissions does not count toward it. Last evaluated 2026-01-08.

Conditions:
CD46-related disorder. Also called: CD46-related condition.

Allele frequency attached by ClinVar (database versions not stated): ExAC 0.00002; TOPMed 0.00002; gnomAD 0.00003; gnomAD exomes 0.00008.
gnomAD v4.1: 118 of 1,611,426 alleles (0.0073%); highest among the groups gnomAD compares: Non-Finnish European, 0.0098%; no homozygotes.

Submissions (2):

Labcorp Genetics (formerly Invitae), Labcorp
Classification: Likely benign. Last evaluated: 2026-01-08. Review status: criteria provided, single submitter. Criteria: Invitae Variant Classification Sherloc (09022015). Collection method: clinical testing. Allele origin: germline.

PreventionGenetics, part of Exact Sciences
Classification: Likely benign for CD46-related condition. Last evaluated: 2019-03-05. Review status: no assertion criteria provided. Collection method: clinical testing. Allele origin: germline. Not counted in ClinVar's aggregate classification.
Comment: This variant is classified as likely benign based on ACMG/AMP sequence variant interpretation guidelines (Richards et al. 2015 PMID: 25741868, with internal and published modifications).

NM_172351.3(CD46):c.857-120A>C

Gene: CD46 (CD46 molecule; plus strand). Cytogenetic location: 1q32.2.
Variant type: single nucleotide variant.
Coding change: c.857-120A>C on transcript NM_172351.3 (MANE Select); 120 bases into the intron before coding-DNA position 857, A replaced by C.
Molecular consequence: intron variant.
Genome position (GRCh38, 1-based): chr1:207,767,659, A>C. VCF-style: chr1-207767659-A-C. GRCh37 (hg19) VCF-style: chr1-207941004-A-C.
Other names: c.901+8A>C (NM_002389.4, NM_172359.3); c.857-120A>C (NM_153826.4, NM_172358.3, NM_172355.3 and 1 more transcripts); c.856+464A>C (NM_172352.3, NM_172353.3, NM_172350.3 and 2 more transcripts).
Identifiers: ClinVar variation 2042208 (VCV002042208.6), dbSNP rs778401499, ClinGen allele CA1371768.